The following is an entry in ClinVar:

ClinVar aggregate classification (germline): Uncertain significance (1 of 4 stars; one submission).

Submission:

Centre of Medical Genetics, University Hospital Muenster
Classification: Uncertain significance. Last evaluated: 2025-02-12. Review status: criteria provided, single submitter. Criteria: ACMG Guidelines, 2015. Collection method: clinical testing. Allele origin: unknown. Affected: yes. Observed: 1 variant allele, 1 heterozygote.
Comment: ACMG categories: PM2,PP3,PP4

NM_031889.3(ENAM):c.123+3_123+6del

Gene: ENAM (enamelin; plus strand). Cytogenetic location: 4q13.3.
Variant type: Deletion.
Coding change: c.123+3_123+6del on transcript NM_031889.3 (MANE Select); bases 3 to 6 of the intron after coding-DNA position 123, 4 bases deleted (GAGT; older notation c.123+3_123+6delGAGT).
Molecular consequence: splice donor variant.
Genome position (GRCh38, 1-based): chr4:70,631,741-70,631,744, GAGT deleted; deleting any 4 consecutive bases within chr4:70,631,738-70,631,744 gives the same sequence; the c. name uses the placement nearest the transcript's 3' end. VCF-style (leftmost placement, unchanged base first): chr4-70631737-CAGTG-C. GRCh37 (hg19) VCF-style: chr4-71497454-CAGTG-C.
Identifiers: ClinVar variation 4526351 (VCV004526351.1).